The following is an entry in ClinVar:

NM_000939.4(POMC):c.11C>T (p.Ser4Leu)

Gene: POMC (proopiomelanocortin; minus strand). Cytogenetic location: 2p23.3.
Variant type: single nucleotide variant.
Coding change: c.11C>T on transcript NM_000939.4 (MANE Select); coding-DNA position 11, C replaced by T.
Protein change: p.Ser4Leu; replaces serine 4 with leucine.
Molecular consequence: missense variant.
Genome position (GRCh38, 1-based): chr2:25,164,762, G>A on the plus strand (C>T on the coding strand, the complement: POMC is on the minus strand). VCF-style: chr2-25164762-G-A. GRCh37 (hg19) VCF-style: chr2-25387631-G-A.
Other names: c.11C>T, p.Ser4Leu (NM_001035256.3, NM_001319204.2, NM_001319205.2); c.11C>T (NM_000939.3); short protein forms S4L.
Identifiers: ClinVar variation 3216723 (VCV003216723.2), dbSNP rs766183863, ClinGen allele CA1555430.

ClinVar aggregate classification (germline): Uncertain significance. Review status: criteria provided, single submitter (1 of 4 stars). 2 submissions from 2 submitters: Uncertain significance (1). 1 of the submissions does not count toward it. Last evaluated 2024-01-03.

Conditions:
Inborn genetic diseases. Identifiers: MedGen C0950123, MeSH D030342.
POMC-related disorder. Also called: POMC-related disorders; POMC-related condition.

Allele frequency attached by ClinVar (database versions not stated): ExAC 0.00003.
gnomAD v4.1: 18 of 1,613,786 alleles (0.0011%); highest among the groups gnomAD compares: East Asian, 0.018%; no homozygotes.

Submissions (2):

Ambry Genetics
Classification: Uncertain significance for Inborn genetic diseases. Last evaluated: 2024-01-03. Review status: criteria provided, single submitter. Criteria: Ambry Variant Classification Scheme 2023. Collection method: clinical testing. Allele origin: germline.

PreventionGenetics, part of Exact Sciences
Classification: Uncertain significance for POMC-related condition. Last evaluated: 2024-05-30. Review status: no assertion criteria provided. Collection method: clinical testing. Allele origin: germline. Not counted in ClinVar's aggregate classification.
Comment: The POMC c.11C>T variant is predicted to result in the amino acid substitution p.Ser4Leu. This variant was observed in a cohort of individuals with obesity, and in vitro functional studies showed function similar to wild-type levels (Supplemental Data Set, Shah et al. 2023. PubMed ID: 36864747). This variant is reported in 0.035% of alleles in individuals of East Asian descent in gnomAD. At this time, the clinical significance of this variant is uncertain due to the absence of conclusive functional and genetic evidence.